The following is an entry in ClinVar:

ClinVar aggregate classification (germline): Uncertain significance. Review status: criteria provided, multiple submitters, no conflicts (2 of 4 stars). 2 submissions from 2 submitters: Uncertain significance (2). Last evaluated 2024-06-07.

Conditions:
Primary ciliary dyskinesia 27. Also called: CILIARY DYSKINESIA, PRIMARY, 27, WITHOUT SITUS INVERSUS. Identifiers: Orphanet 244, MedGen C3809701, MONDO:0014215, OMIM 615504.
Inborn genetic diseases. Identifiers: MedGen C0950123, MeSH D030342.

Allele frequency attached by ClinVar (database versions not stated): gnomAD 0.00001; gnomAD exomes 0.00006; ESP Exome Variant Server 0.00008.
gnomAD v4.1: 89 of 1,596,326 alleles (0.0056%); highest among the groups gnomAD compares: Non-Finnish European, 0.0069%; no homozygotes.

Submissions (2):

Ambry Genetics
Classification: Uncertain significance for Inborn genetic diseases. Last evaluated: 2024-06-07. Review status: criteria provided, single submitter. Criteria: Ambry Variant Classification Scheme 2023. Collection method: clinical testing. Allele origin: germline.

Labcorp Genetics (formerly Invitae), Labcorp
Classification: Uncertain significance for Primary ciliary dyskinesia 27. Last evaluated: 2021-03-15. Review status: criteria provided, single submitter. Criteria: Invitae Variant Classification Sherloc (09022015). Collection method: clinical testing. Allele origin: germline.
Comment: In summary, the available evidence is currently insufficient to determine the role of this variant in disease. Therefore, it has been classified as a Variant of Uncertain Significance. Algorithms developed to predict the effect of missense changes on protein structure and function do not agree on the potential impact of this missense change (SIFT: "Deleterious"; PolyPhen-2: "Benign"; Align-GVGD: "Class C0"). This variant has not been reported in the literature in individuals with CCDC65-related disease. This variant is present in population databases (rs184028693, ExAC 0.009%). This sequence change replaces aspartic acid with glutamic acid at codon 45 of the CCDC65 protein (p.Asp45Glu). The aspartic acid residue is highly conserved and there is a small physicochemical difference between aspartic acid and glutamic acid.

NM_033124.5(DRC2):c.135C>A (p.Asp45Glu)

Gene: DRC2 (dynein regulatory complex subunit 2; plus strand). Cytogenetic location: 12q13.12.
Variant type: single nucleotide variant.
Coding change: c.135C>A on transcript NM_033124.5 (MANE Select); coding-DNA position 135, C replaced by A.
Protein change: p.Asp45Glu; replaces aspartic acid 45 with glutamic acid.
Molecular consequence: missense variant. On other transcripts: intron variant (1).
Genome position (GRCh38, 1-based): chr12:48,904,948, C>A. VCF-style: chr12-48904948-C-A. GRCh37 (hg19) VCF-style: chr12-49298731-C-A.
Other names: c.-279-16C>A (NM_001286957.2); c.135C>A (NM_033124.4); short protein forms D45E.
Identifiers: ClinVar variation 1372259 (VCV001372259.9), dbSNP rs184028693, ClinGen allele CA6543160.